The following is an entry in ClinVar:

NM_006950.3(SYN1):c.1640G>A (p.Arg547His)

Gene: SYN1 (synapsin I; minus strand). Cytogenetic location: Xp11.3.
Variant type: single nucleotide variant.
Coding change: c.1640G>A on transcript NM_006950.3 (MANE Select); coding-DNA position 1640, G replaced by A.
Protein change: p.Arg547His; replaces arginine 547 with histidine.
Molecular consequence: missense variant.
Genome position (GRCh38, 1-based): chrX:47,574,344, C>T on the plus strand (G>A on the coding strand, the complement: SYN1 is on the minus strand). VCF-style: chrX-47574344-C-T. GRCh37 (hg19) VCF-style: chrX-47433743-C-T.
Other names: c.1640G>A, p.Arg547His (NM_133499.2); short protein forms R547H.
Identifiers: ClinVar variation 3668191 (VCV003668191.2).

ClinVar aggregate classification (germline): Uncertain significance (1 of 4 stars; one submission).

Conditions:
Epilepsy, X-linked 1, with variable learning disabilities and behavior disorders. Also called: X-linked epilepsy-learning disabilities-behavior disorders syndrome. Identifiers: Orphanet 85294, MedGen C5774177, MONDO:0010339, OMIM 300491.

Submission:

Labcorp Genetics (formerly Invitae), Labcorp
Classification: Uncertain significance for Epilepsy, X-linked 1, with variable learning disabilities and behavior disorders. Last evaluated: 2024-10-10. Review status: criteria provided, single submitter. Criteria: Invitae Variant Classification Sherloc (09022015). Collection method: clinical testing. Allele origin: germline.
Comment: This sequence change replaces arginine, which is basic and polar, with histidine, which is basic and polar, at codon 547 of the SYN1 protein (p.Arg547His). The frequency data for this variant in the population databases is considered unreliable, as metrics indicate insufficient coverage at this position in the gnomAD database. This variant has not been reported in the literature in individuals affected with SYN1-related conditions. Experimental studies and prediction algorithms are not available or were not evaluated, and the functional significance of this variant is currently unknown. In summary, the available evidence is currently insufficient to determine the role of this variant in disease. Therefore, it has been classified as a Variant of Uncertain Significance.